The following is an entry in ClinVar:

ClinVar aggregate classification (germline): Uncertain significance (1 of 4 stars; one submission).

Conditions:
Bardet-Biedl syndrome (BBS). Identifiers: Orphanet 110, MedGen C0752166, MONDO:0015229.

Submission:

Labcorp Genetics (formerly Invitae), Labcorp
Classification: Uncertain significance for Bardet-Biedl syndrome. Last evaluated: 2022-10-03. Review status: criteria provided, single submitter. Criteria: Invitae Variant Classification Sherloc (09022015). Collection method: clinical testing. Allele origin: germline.
Comment: In summary, the available evidence is currently insufficient to determine the role of this variant in disease. Therefore, it has been classified as a Variant of Uncertain Significance. Advanced modeling of protein sequence and biophysical properties (such as structural, functional, and spatial information, amino acid conservation, physicochemical variation, residue mobility, and thermodynamic stability) performed at Invitae indicates that this missense variant is not expected to disrupt BBS4 protein function. ClinVar contains an entry for this variant (Variation ID: 1518470). This variant has not been reported in the literature in individuals affected with BBS4-related conditions. This variant is not present in population databases (gnomAD no frequency). This sequence change replaces isoleucine, which is neutral and non-polar, with valine, which is neutral and non-polar, at codon 331 of the BBS4 protein (p.Ile331Val).

NM_033028.5(BBS4):c.991A>G (p.Ile331Val)

Gene: BBS4 (Bardet-Biedl syndrome 4; plus strand). Cytogenetic location: 15q24.1.
Variant type: single nucleotide variant.
Coding change: c.991A>G on transcript NM_033028.5 (MANE Select); coding-DNA position 991, A replaced by G.
Protein change: p.Ile331Val; replaces isoleucine 331 with valine.
Molecular consequence: missense variant. On other transcripts: non-coding transcript variant (2).
Genome position (GRCh38, 1-based): chr15:72,731,681, A>G. VCF-style: chr15-72731681-A-G. GRCh37 (hg19) VCF-style: chr15-73024022-A-G.
Other names: c.475A>G, p.Ile159Val (NM_001252678.2); c.922A>G, p.Ile308Val (NM_001320665.2); short protein forms I308V, I331V, I159V.
Identifiers: ClinVar variation 1518470 (VCV001518470.6), dbSNP rs1316841175, ClinGen allele CA393078996.
Genomic context (GRCh38, chr15:72,731,681, plus strand): 5'-GGCCTTGTCCATTTGACCATGCAGCAGTATGCATCAGCTTTTCATTTTCTCAGTGCGGCC[A>G]TCAACTTCCAGCCAAAGATGGGGGAGCTCTACATGCTCTTGGCAGGTAAGAAACATTTAT-3'
Protein context (NP_149017.2, residues 321-341): ASAFHFLSAA[Ile331Val]NFQPKMGELY